The following is an entry in ClinVar:

ClinVar aggregate classification (germline): Uncertain significance. Review status: criteria provided, single submitter (1 of 4 stars). 2 submissions from 2 submitters: Uncertain significance (1). 1 of the submissions does not count toward it. Last evaluated 2024-12-04.

Allele frequency attached by ClinVar (database versions not stated): gnomAD exomes 0.00001 and 0.00004; TOPMed 0.00003; gnomAD 0.00001; ExAC 0.00006; ESP Exome Variant Server 0.00008.
gnomAD v4.1: 21 of 1,613,990 alleles (0.0013%); highest among the groups gnomAD compares: East Asian, 0.0045%; no homozygotes.

Submissions (2):

Labcorp Genetics (formerly Invitae), Labcorp
Classification: Uncertain significance. Last evaluated: 2024-12-04. Review status: criteria provided, single submitter. Criteria: Invitae Variant Classification Sherloc (09022015). Collection method: clinical testing. Allele origin: germline.
Comment: This sequence change replaces threonine, which is neutral and polar, with methionine, which is neutral and non-polar, at codon 1194 of the ARHGEF10 protein (p.Thr1194Met). This variant is present in population databases (rs150598687, gnomAD 0.01%). This variant has not been reported in the literature in individuals affected with ARHGEF10-related conditions. ClinVar contains an entry for this variant (Variation ID: 1049057). Invitae Evidence Modeling of protein sequence and biophysical properties (such as structural, functional, and spatial information, amino acid conservation, physicochemical variation, residue mobility, and thermodynamic stability) indicates that this missense variant is not expected to disrupt ARHGEF10 protein function with a negative predictive value of 80%. In summary, the available evidence is currently insufficient to determine the role of this variant in disease. Therefore, it has been classified as a Variant of Uncertain Significance.

Department of Pathology and Laboratory Medicine, Sinai Health System
Classification: Uncertain significance. Review status: no assertion criteria provided. Collection method: clinical testing. Allele origin: unknown. Affected: yes. Study: The Canadian Open Genetics Repository (COGR). Not counted in ClinVar's aggregate classification.
Comment: The ARHGEF10 p.Thr1156Met variant was not identified in the literature nor was it identified in ClinVar or Cosmic. The variant was identified in dbSNP (ID: rs150598687) and LOVD 3.0. The variant was also identified in control databases in 11 of 282776 chromosomes at a frequency of 0.000039 (Genome Aggregation Database Feb 27, 2017). The variant was observed in the following populations: Ashkenazi Jewish in 1 of 10364 chromosomes (freq: 0.000096), African in 2 of 24962 chromosomes (freq: 0.00008), South Asian in 2 of 30616 chromosomes (freq: 0.000065), East Asian in 1 of 19950 chromosomes (freq: 0.00005) and European (non-Finnish) in 5 of 129098 chromosomes (freq: 0.000039); it was not observed in the Latino, European (Finnish), and Other populations. The p.Thr1156 residue is not conserved in mammals and computational analyses (PolyPhen-2, SIFT, AlignGVGD, BLOSUM, MutationTaster) provide inconsistent predictions regarding the impact to the protein; this information is not very predictive of pathogenicity. The variant occurs outside of the splicing consensus sequence and in silico or computational prediction software programs (SpliceSiteFinder, MaxEntScan, NNSPLICE, GeneSplicer) do not predict a difference in splicing. In summary, based on the above information the clinical significance of this variant cannot be determined with certainty at this time. This variant is classified as a variant of uncertain significance.

NM_014629.4(ARHGEF10):c.3581C>T (p.Thr1194Met)

Gene: ARHGEF10 (Rho guanine nucleotide exchange factor 10; plus strand). Cytogenetic location: 8p23.3.
Variant type: single nucleotide variant.
Coding change: c.3581C>T on transcript NM_014629.4 (MANE Select); coding-DNA position 3581, C replaced by T.
Protein change: p.Thr1194Met; replaces threonine 1194 with methionine.
Molecular consequence: missense variant.
Genome position (GRCh38, 1-based): chr8:1,956,809, C>T. VCF-style: chr8-1956809-C-T. GRCh37 (hg19) VCF-style: chr8-1904975-C-T.
Other names: c.3467C>T, p.Thr1156Met (NM_001308152.2); c.3581C>T, p.Thr1194Met (NM_001308153.3); short protein forms T1156M, T1194M, T1218M.
Identifiers: ClinVar variation 1049057 (VCV001049057.3), dbSNP rs150598687, ClinGen allele CA4601432.